The following is an entry in ClinVar:

NM_000212.3(ITGB3):c.2068_2069del (p.Val690fs)

Gene: ITGB3 (integrin subunit beta 3; plus strand). Cytogenetic location: 17q21.32.
Variant type: Microsatellite.
Coding change: c.2068_2069del on transcript NM_000212.3 (MANE Select); coding-DNA positions 2068 to 2069, 2 bases deleted (GT; older notation c.2068_2069delGT).
Protein change: p.Val690fs; shifts the reading frame from valine 690.
Molecular consequence: frameshift variant.
Genome position (GRCh38, 1-based): chr17:47,302,774-47,302,775, GT deleted; deleting any 2 consecutive bases within chr17:47,302,771-47,302,775 gives the same sequence; the c. name uses the placement nearest the transcript's 3' end. VCF-style (leftmost placement, unchanged base first): chr17-47302770-CTG-C. GRCh37 (hg19) VCF-style: chr17-45380136-CTG-C.
Other names: NM_000212.3:c.2068_2069del; short protein forms V690fs.
Identifiers: ClinVar variation 1330316 (VCV001330316.1), dbSNP rs2143138162, ClinGen allele CA913012619.

ClinVar aggregate classification (germline): Pathogenic (3 of 4 stars; one submission).

Conditions:
Glanzmann thrombasthenia. Also called: THROMBASTHENIA OF GLANZMANN AND NAEGELI; BLEEDING DISORDER, PLATELET-TYPE, 2; Thrombasthenia; PLATELET GLYCOPROTEIN IIb-IIIa DEFICIENCY; Glanzmann's thrombasthenia. Identifiers: Orphanet 849, MedGen C0040015, MONDO:0100326.

Submission:

ClinGen Platelet Disorders Variant Curation Expert Panel, ClinGen
Classification: Pathogenic for Glanzmann thrombasthenia. Last evaluated: 2021-11-04. Review status: reviewed by expert panel. Criteria: ClinGen Platelet ACMG Specifications v2. Collection method: curation. Allele origin: germline. Inheritance: Autosomal recessive inheritance.
Comment: NM_000212.3(ITGB3):c.2068_2069del (p.Val690ArgfsTer7) in exon 13 of ITGB3 is a frameshift variant predicted to cause a premature stop codon in biologically-relevant-exon 13/15 and is predicted to lead to nonsense mediated decay (PVS1). Additionally, αIIbβ3 surface expression was reduced to <1%, as measured by flow cytometry. ITGA2B and ITGB3 were sequenced across all exons and intron/exon boundaries (PP4_strong, PM3_supporting; PMID: 21113249). This variant is absent from gnomAD v2.1.1 (PM2_Supporting). In summary, this variant meets the criteria to be classified as Pathogenic for autosomal recessive Glanzmann Thrombasthenia based on the ACMG/AMP criteria applied, as specified by the ClinGen PD VCEP: PVS1, PP4_strong, PM2_supporting, PM3_supporting. (VCEP specifications version 2; date of approval 11/04/2021)